The following is an entry in ClinVar:

ClinVar aggregate classification (germline): Uncertain significance (1 of 4 stars; one submission).

Allele frequency attached by ClinVar (database versions not stated): gnomAD exomes below 0.00001; gnomAD 0.00001.
gnomAD v4.1: 4 of 1,606,714 alleles (0.00025%); highest among the groups gnomAD compares: Admixed American, 0.0033%; no homozygotes.

Submission:

Labcorp Genetics (formerly Invitae), Labcorp
Classification: Uncertain significance. Last evaluated: 2022-11-03. Review status: criteria provided, single submitter. Criteria: Invitae Variant Classification Sherloc (09022015). Collection method: clinical testing. Allele origin: germline.
Comment: This variant is not present in population databases (gnomAD no frequency). This variant has not been reported in the literature in individuals affected with ITM2B-related conditions. Advanced modeling of protein sequence and biophysical properties (such as structural, functional, and spatial information, amino acid conservation, physicochemical variation, residue mobility, and thermodynamic stability) has been performed at Invitae for this missense variant, however the output from this modeling did not meet the statistical confidence thresholds required to predict the impact of this variant on ITM2B protein function. In summary, the available evidence is currently insufficient to determine the role of this variant in disease. Therefore, it has been classified as a Variant of Uncertain Significance. This sequence change replaces threonine, which is neutral and polar, with alanine, which is neutral and non-polar, at codon 171 of the ITM2B protein (p.Thr171Ala).

NM_021999.5(ITM2B):c.511A>G (p.Thr171Ala)

Gene: ITM2B (integral membrane protein 2B; plus strand). Cytogenetic location: 13q14.2.
Variant type: single nucleotide variant.
Coding change: c.511A>G on transcript NM_021999.5 (MANE Select); coding-DNA position 511, A replaced by G.
Protein change: p.Thr171Ala; replaces threonine 171 with alanine.
Molecular consequence: missense variant.
Genome position (GRCh38, 1-based): chr13:48,258,183, A>G. VCF-style: chr13-48258183-A-G. GRCh37 (hg19) VCF-style: chr13-48832319-A-G.
Other names: short protein forms T171A.
Identifiers: ClinVar variation 3023044 (VCV003023044.3), dbSNP rs752270142, ClinGen allele CA388251630.